The following is an entry in ClinVar:

NM_007186.6(CEP250):c.461G>A (p.Arg154Lys)

Gene: CEP250 (centrosomal protein 250; plus strand). Cytogenetic location: 20q11.22.
Variant type: single nucleotide variant.
Coding change: c.461G>A on transcript NM_007186.6 (MANE Select); coding-DNA position 461, G replaced by A.
Protein change: p.Arg154Lys; replaces arginine 154 with lysine.
Molecular consequence: missense variant. On other transcripts: 5 prime UTR variant (1).
Genome position (GRCh38, 1-based): chr20:35,466,173, G>A. VCF-style: chr20-35466173-G-A. GRCh37 (hg19) VCF-style: chr20-34053998-G-A.
Other names: c.-1439G>A (NM_001318219.1); short protein forms R154K.
Identifiers: ClinVar variation 1409067 (VCV001409067.8), dbSNP rs375906452, ClinGen allele CA9832617.

ClinVar aggregate classification (germline): Uncertain significance (1 of 4 stars; one submission).

Allele frequency attached by ClinVar (database versions not stated): gnomAD exomes below 0.00001 and 0.00001; ExAC 0.00001; gnomAD 0.00002; TOPMed 0.00002; ESP Exome Variant Server 0.00023.
gnomAD v4.1: 5 of 1,606,178 alleles (0.00031%); highest among the groups gnomAD compares: African/African-American, 0.0054%; no homozygotes.

Submission:

Labcorp Genetics (formerly Invitae), Labcorp
Classification: Uncertain significance. Last evaluated: 2025-12-21. Review status: criteria provided, single submitter. Criteria: Invitae Variant Classification Sherloc (09022015). Collection method: clinical testing. Allele origin: germline.
Comment: This sequence change replaces arginine, which is basic and polar, with lysine, which is basic and polar, at codon 154 of the CEP250 protein (p.Arg154Lys). This variant is present in population databases (rs375906452, gnomAD 0.01%). This variant has not been reported in the literature in individuals affected with CEP250-related conditions. ClinVar contains an entry for this variant (Variation ID: 1409067). An algorithm developed to predict the effect of missense changes on protein structure and function (PolyPhen-2) suggests that this variant is likely to be disruptive. In summary, the available evidence is currently insufficient to determine the role of this variant in disease. Therefore, it has been classified as a Variant of Uncertain Significance.